The following is an entry in ClinVar:

NM_006885.4(ZFHX3):c.9798G>A (p.Thr3266=)

Genes: ZFHX3 (zinc finger homeobox 3; minus strand), ZFHX3-AS1 (ZFHX3 antisense RNA 1; plus strand). Cytogenetic location: 16q22.2.
Variant type: single nucleotide variant.
Coding change: c.9798G>A on transcript NM_006885.4 (MANE Select); coding-DNA position 9798, G replaced by A.
Protein change: p.Thr3266=; no amino-acid change (threonine 3266 retained).
Molecular consequence: synonymous variant.
Genome position (GRCh38, 1-based): chr16:72,788,478, C>T on the plus strand (G>A on the coding strand, the complement: ZFHX3 is on the minus strand). VCF-style: chr16-72788478-C-T. GRCh37 (hg19) VCF-style: chr16-72822377-C-T.
Other names: c.7056G>A, p.Thr2352= (NM_001164766.2); c.9798G>A, p.Thr3266= (NM_001386735.1).
Identifiers: ClinVar variation 4872433 (VCV004872433.2).

ClinVar aggregate classification (germline): Likely benign (1 of 4 stars; one submission).

gnomAD v4.1: 48 of 1,614,176 alleles (0.003%); highest among the groups gnomAD compares: African/African-American, 0.012%; no homozygotes.

Submission:

CeGaT Center for Human Genetics Tuebingen
Classification: Likely benign. Last evaluated: 2026-04-01. Review status: criteria provided, single submitter. Criteria: CeGaT Center For Human Genetics Tuebingen Variant Classification Criteria Version 2. Collection method: clinical testing. Allele origin: germline. Affected: yes. Observed: 1 variant allele.
Comment: ZFHX3: BP4, BP7